The following is an entry in ClinVar:

ClinVar aggregate classification (germline): Uncertain significance (1 of 4 stars; one submission).

Conditions:
Pyogenic arthritis-pyoderma gangrenosum-acne syndrome (PAPA). Also called: PAPA SYNDROME; FAMILIAL RECURRENT ARTHRITIS. Identifiers: Orphanet 69126, MedGen C1858361, MONDO:0011462, OMIM 604416.

Allele frequency attached by ClinVar (database versions not stated): gnomAD exomes below 0.00001; TOPMed below 0.00001; gnomAD 0.00001.
gnomAD v4.1: 4 of 1,612,488 alleles (0.00025%); highest among the groups gnomAD compares: Admixed American, 0.0017%; no homozygotes.

Submission:

ARUP Laboratories, Molecular Genetics and Genomics, ARUP Laboratories
Classification: Uncertain significance for Pyogenic arthritis-pyoderma gangrenosum-acne syndrome. Last evaluated: 2019-05-18. Review status: criteria provided, single submitter. Criteria: ARUP Molecular Germline Variant Investigation Process. Collection method: clinical testing. Allele origin: germline.
Comment: The PSTPIP1 c.739G>A; p.Glu247Lys variant (rs1283948312), to our knowledge, is not reported in the medical literature or gene-specific databases. The variant is reported in the general population in 1 out of 248008 alleles, indicating it is not a common polymorphism. The amino acid at this position is highly conserved and computational algorithms (PolyPhen-2, SIFT) predict this variant is deleterious. Due to limited information, the clinical significance of the variant is uncertain at this time.

NM_003978.5(PSTPIP1):c.739G>A (p.Glu247Lys)

Gene: PSTPIP1 (proline-serine-threonine phosphatase interacting protein 1; plus strand). Cytogenetic location: 15q24.3.
Variant type: single nucleotide variant.
Coding change: c.739G>A on transcript NM_003978.5 (MANE Select); coding-DNA position 739, G replaced by A.
Protein change: p.Glu247Lys; replaces glutamic acid 247 with lysine.
Molecular consequence: missense variant. On other transcripts: non-coding transcript variant (1).
Genome position (GRCh38, 1-based): chr15:77,031,276, G>A. VCF-style: chr15-77031276-G-A. GRCh37 (hg19) VCF-style: chr15-77323617-G-A.
Other names: c.739G>A, p.Glu247Lys (NM_001321135.2); c.712G>A, p.Glu238Lys (NM_001321136.2); c.934G>A, p.Glu312Lys (NM_001321137.1); short protein forms E238K, E247K, E312K.
Identifiers: ClinVar variation 812020 (VCV000812020.8), dbSNP rs1283948312, ClinGen allele CA393521017.